The following is an entry in ClinVar:

ClinVar aggregate classification (germline): Uncertain significance (1 of 4 stars; one submission).

Conditions:
Arrhythmogenic cardiomyopathy with wooly hair and keratoderma. Also called: PALMOPLANTAR KERATODERMA WITH LEFT VENTRICULAR CARDIOMYOPATHY AND WOOLLY HAIR; Dilated cardiomyopathy with woolly hair and keratoderma; Carvajal syndrome; Arrhythmogenic cardiomyopathy with woolly hair and keratoderma. Identifiers: Orphanet 65282, MedGen C1854063, MONDO:0011581, OMIM 605676.
Arrhythmogenic right ventricular dysplasia 8 (ARVD8). Also called: Arrhythmogenic Right Ventricular Dysplasia/Cardiomyopathy 8; ARRHYTHMOGENIC RIGHT VENTRICULAR DYSPLASIA, FAMILIAL, 8; ARRHYTHMOGENIC RIGHT VENTRICULAR CARDIOMYOPATHY 8. Identifiers: MedGen C1843896, MONDO:0011831, OMIM 607450.

Submission:

Labcorp Genetics (formerly Invitae), Labcorp
Classification: Uncertain significance for Arrhythmogenic cardiomyopathy with wooly hair and keratoderma; Arrhythmogenic right ventricular dysplasia 8. Last evaluated: 2024-12-06. Review status: criteria provided, single submitter. Criteria: Invitae Variant Classification Sherloc (09022015). Collection method: clinical testing. Allele origin: germline.
Comment: This sequence change replaces isoleucine, which is neutral and non-polar, with phenylalanine, which is neutral and non-polar, at codon 218 of the DSP protein (p.Ile218Phe). This variant is not present in population databases (gnomAD no frequency). This variant has not been reported in the literature in individuals affected with DSP-related conditions. An algorithm developed to predict the effect of missense changes on protein structure and function (PolyPhen-2) suggests that this variant is likely to be tolerated. In summary, the available evidence is currently insufficient to determine the role of this variant in disease. Therefore, it has been classified as a Variant of Uncertain Significance.

NM_004415.4(DSP):c.652A>T (p.Ile218Phe)

Gene: DSP (desmoplakin; plus strand). Cytogenetic location: 6p24.3.
Variant type: single nucleotide variant.
Coding change: c.652A>T on transcript NM_004415.4 (MANE Select); coding-DNA position 652, A replaced by T.
Protein change: p.Ile218Phe; replaces isoleucine 218 with phenylalanine.
Molecular consequence: missense variant.
Genome position (GRCh38, 1-based): chr6:7,562,706, A>T. VCF-style: chr6-7562706-A-T. GRCh37 (hg19) VCF-style: chr6-7562939-A-T.
Other names: c.652A>T, p.Ile218Phe (NM_001008844.3, NM_001319034.2, NM_001406591.1); short protein forms I218F.
Identifiers: ClinVar variation 3748134 (VCV003748134.2).
Genomic context (GRCh38, chr6:7,562,706, plus strand): 5'-TCGCAGGCGGAGATGGACATGGTGGCCTGGGGTGTGGACCTGGCCTCAGTGGAGCAGCAC[A>T]TTAACAGCCACCGGGGCATCCACAACTCCATCGGCGACTATCGCTGGCAGCTGGACAAAA-3'
Protein context (NP_004406.2, residues 208-228): GVDLASVEQH[Ile218Phe]NSHRGIHNSI